The following is an entry in ClinVar:

NM_198514.4(NHLRC2):c.1010C>A (p.Ser337Tyr)

Gene: NHLRC2 (NHL repeat containing 2; plus strand). Cytogenetic location: 10q25.3.
Variant type: single nucleotide variant.
Coding change: c.1010C>A on transcript NM_198514.4 (MANE Select); coding-DNA position 1010, C replaced by A.
Protein change: p.Ser337Tyr; replaces serine 337 with tyrosine.
Molecular consequence: missense variant.
Genome position (GRCh38, 1-based): chr10:113,884,351, C>A. VCF-style: chr10-113884351-C-A. GRCh37 (hg19) VCF-style: chr10-115644110-C-A.
Other names: short protein forms S337Y.
Identifiers: ClinVar variation 3781082 (VCV003781082.2).

ClinVar aggregate classification (germline): Uncertain significance (1 of 4 stars; one submission).

Submission:

GeneDx
Classification: Uncertain significance. Last evaluated: 2026-10-08. Review status: criteria provided, single submitter. Criteria: GeneDx Variant Classification Process June 2021. Collection method: clinical testing. Allele origin: germline.
Comment: Not observed at significant frequency in large population cohorts (gnomAD); In silico analysis supports that this missense variant has a deleterious effect on protein structure/function; Has not been previously published as pathogenic or benign to our knowledge